The following is an entry in ClinVar:

ClinVar aggregate classification (germline): Uncertain significance (1 of 4 stars; one submission).

Conditions:
Fanconi anemia (FA). Also called: Fanconi's anemia. Identifiers: Orphanet 84, MedGen C0015625, MeSH D005199, MONDO:0019391.

gnomAD v4.1: 3 of 1,613,554 alleles (0.00019%); highest among the groups gnomAD compares: Admixed American, 0.0017%; no homozygotes.

Submission:

Labcorp Genetics (formerly Invitae), Labcorp
Classification: Uncertain significance for Fanconi anemia. Last evaluated: 2024-08-19. Review status: criteria provided, single submitter. Criteria: Invitae Variant Classification Sherloc (09022015). Collection method: clinical testing. Allele origin: germline.
Comment: This sequence change replaces glycine, which is neutral and non-polar, with arginine, which is basic and polar, at codon 1349 of the SLX4 protein (p.Gly1349Arg). This variant is present in population databases (no rsID available, gnomAD 0.003%). This variant has not been reported in the literature in individuals affected with SLX4-related conditions. An algorithm developed to predict the effect of missense changes on protein structure and function outputs the following: PolyPhen-2: "Benign". The arginine amino acid residue is found in multiple mammalian species, which suggests that this missense change does not adversely affect protein function. In summary, the available evidence is currently insufficient to determine the role of this variant in disease. Therefore, it has been classified as a Variant of Uncertain Significance.

NM_032444.4(SLX4):c.4045G>C (p.Gly1349Arg)

Gene: SLX4 (SLX4 structure-specific endonuclease subunit; minus strand). Cytogenetic location: 16p13.3.
Variant type: single nucleotide variant.
Coding change: c.4045G>C on transcript NM_032444.4 (MANE Select); coding-DNA position 4045, G replaced by C.
Protein change: p.Gly1349Arg; replaces glycine 1349 with arginine.
Molecular consequence: missense variant.
Genome position (GRCh38, 1-based): chr16:3,589,593, C>G on the plus strand (G>C on the coding strand, the complement: SLX4 is on the minus strand). VCF-style: chr16-3589593-C-G. GRCh37 (hg19) VCF-style: chr16-3639594-C-G.
Other names: short protein forms G1349R.
Identifiers: ClinVar variation 3652265 (VCV003652265.2).